The following is an entry in ClinVar:

NM_153603.4(COG7):c.170-4A>G

Gene: COG7 (component of oligomeric golgi complex 7; minus strand). Cytogenetic location: 16p12.2.
Variant type: single nucleotide variant.
Coding change: c.170-4A>G on transcript NM_153603.4 (MANE Select); 4 bases into the intron before coding-DNA position 170, A replaced by G.
Molecular consequence: intron variant.
Genome position (GRCh38, 1-based): chr16:23,445,965, T>C on the plus strand (A>G on the coding strand, the complement: COG7 is on the minus strand). VCF-style: chr16-23445965-T-C. GRCh37 (hg19) VCF-style: chr16-23457286-T-C.
Identifiers: ClinVar variation 318491 (VCV000318491.16), dbSNP rs544015151, ClinGen allele CA7961366.

ClinVar aggregate classification (germline): Conflicting classifications of pathogenicity. Review status: criteria provided, conflicting classifications (1 of 4 stars). 4 submissions from 4 submitters: Uncertain significance (1); Benign (1); Likely benign (1). 1 of the submissions does not count toward it. Last evaluated 2025-08-22.

Conditions:
COG7 congenital disorder of glycosylation (CDG2E). Also called: CONGENITAL DISORDER OF GLYCOSYLATION, TYPE IIe; CDG IIe. Identifiers: Orphanet 79333, MedGen C2931010, MONDO:0012118, OMIM 608779.
COG7-related disorder. Also called: COG7-related condition.

Allele frequency attached by ClinVar (database versions not stated): gnomAD 0.00014; gnomAD exomes 0.00016 and 0.00032; 1000 Genomes Project 30x 0.00031; 1000 Genomes Project 0.00040; ExAC 0.00040.
gnomAD v4.1: 262 of 1,588,502 alleles (0.016%); highest among the groups gnomAD compares: South Asian, 0.27%; 3 homozygotes.

Submissions (4):

Labcorp Genetics (formerly Invitae), Labcorp
Classification: Benign for COG7 congenital disorder of glycosylation. Last evaluated: 2025-08-22. Review status: criteria provided, single submitter. Criteria: Invitae Variant Classification Sherloc (09022015). Collection method: clinical testing. Allele origin: germline.

Blueprint Genetics
Classification: Likely benign. Last evaluated: 2024-09-18. Review status: criteria provided, single submitter. Criteria: ACMG Guidelines, 2015. Collection method: clinical testing. Allele origin: germline.

Illumina Laboratory Services, Illumina
Classification: Uncertain significance for COG7 congenital disorder of glycosylation. Last evaluated: 2018-01-12. Review status: criteria provided, single submitter. Criteria: ICSL Variant Classification Criteria 13 December 2019. Collection method: clinical testing. Allele origin: germline.

PreventionGenetics, part of Exact Sciences
Classification: Likely benign for COG7-related condition. Last evaluated: 2020-04-24. Review status: no assertion criteria provided. Collection method: clinical testing. Allele origin: germline. Not counted in ClinVar's aggregate classification.
Comment: This variant is classified as likely benign based on ACMG/AMP sequence variant interpretation guidelines (Richards et al. 2015 PMID: 25741868, with internal and published modifications).